The following is an entry in ClinVar:

NM_001267550.2(TTN):c.97134del (p.Glu32380fs)

Genes: TTN (titin; minus strand), TTN-AS1 (TTN antisense RNA 1; plus strand). Cytogenetic location: 2q31.2.
Variant type: Deletion.
Coding change: c.97134del on transcript NM_001267550.2 (MANE Select); coding-DNA position 97134, one base deleted (A; older notation c.97134delA).
Protein change: p.Glu32380fs; shifts the reading frame from glutamic acid 32380.
Molecular consequence: frameshift variant.
Genome position (GRCh38, 1-based): chr2:178,542,720, T deleted on the plus strand (A on the coding strand, the reverse complement: TTN is on the minus strand). VCF-style (leftmost placement, unchanged base first): chr2-178542719-GT-G. GRCh37 (hg19) VCF-style: chr2-179407446-GT-G.
Other names: c.92211del, p.Glu30739fs (NM_001256850.1); c.69939del, p.Glu23315fs (NM_003319.4); c.89430del, p.Glu29812fs (NM_133378.4); c.70314del, p.Glu23440fs (NM_133432.3); c.70515del, p.Glu23507fs (NM_133437.4); short protein forms E23507fs, E23315fs, E23440fs, E32380fs, E29812fs, E30739fs.
Identifiers: ClinVar variation 2953455 (VCV002953455.3), dbSNP rs2468901565, ClinGen allele CA2740095965.

ClinVar aggregate classification (germline): Likely pathogenic (1 of 4 stars; one submission).

Conditions:
Autosomal recessive limb-girdle muscular dystrophy type 2J (LGMDR10). Also called: Limb-girdle muscular dystrophy, type 2J; MUSCULAR DYSTROPHY, LIMB-GIRDLE, AUTOSOMAL RECESSIVE 10. Identifiers: Orphanet 140922, MedGen C1837342, MONDO:0012127, OMIM 608807.
Dilated cardiomyopathy 1G (CMD1G). Identifiers: Orphanet 154, MedGen C1858763, MONDO:0011400, OMIM 604145.

Submission:

Labcorp Genetics (formerly Invitae), Labcorp
Classification: Likely pathogenic for Dilated cardiomyopathy 1G; Autosomal recessive limb-girdle muscular dystrophy type 2J. Last evaluated: 2024-07-30. Review status: criteria provided, single submitter. Criteria: Invitae Variant Classification Sherloc (09022015). Collection method: clinical testing. Allele origin: germline.
Comment: This sequence change creates a premature translational stop signal (p.Glu32380Asnfs*2) in the TTN gene. While this is not anticipated to result in nonsense mediated decay, it is expected to create a truncated TTN protein. This variant is not present in population databases (gnomAD no frequency). This variant has not been reported in the literature in individuals affected with TTN-related conditions. This variant is located in the A band of TTN (PMID: 25589632). Truncating variants in this region are significantly overrepresented in patients affected with dilated cardiomyopathy (PMID: 25589632). Truncating variants in this region have also been reported in individuals affected with autosomal recessive centronuclear myopathy (PMID: 23975875). In summary, the currently available evidence indicates that the variant is pathogenic, but additional data are needed to prove that conclusively. Therefore, this variant has been classified as Likely Pathogenic.

Literature cited by the submitters: PubMed 25589632; PubMed 23975875.